The following is an entry in ClinVar:

ClinVar aggregate classification (germline): Conflicting classifications of pathogenicity. Review status: criteria provided, conflicting classifications (1 of 4 stars). 6 submissions from 6 submitters: Uncertain significance (5); Likely benign (1). Last evaluated 2026-03-05.

Conditions:
STAC3-related disorder. Also called: STAC3-related condition.
Bailey-Bloch congenital myopathy (CMYO13). Also called: STAC3 disorder; Native American myopathy; Congenital myopathy 13. Identifiers: Orphanet 168572, MedGen C1850625, MONDO:0009722, OMIM 255995.

Allele frequency attached by ClinVar (database versions not stated): ESP Exome Variant Server 0.00054; gnomAD 0.00054; gnomAD exomes 0.00055 and 0.00079; TOPMed 0.00063; ExAC 0.00066; 1000 Genomes Project 30x 0.00109; 1000 Genomes Project 0.00120.
gnomAD v4.1: 1,220 of 1,614,182 alleles (0.076%); highest among the groups gnomAD compares: Non-Finnish European, 0.096%; 1 homozygote.

Submissions (6):

Women's Health and Genetics/Laboratory Corporation of America, LabCorp
Classification: Uncertain significance. Last evaluated: 2026-03-05. Review status: criteria provided, single submitter. Criteria: LabCorp Variant Classification Summary - May 2015. Collection method: clinical testing. Allele origin: germline.
Comment: Variant summary: STAC3 c.157G>A (p.Val53Met) results in a conservative amino acid change in the encoded protein sequence. Algorithms developed to predict the effect of missense changes on protein structure and function are either unavailable or do not agree on the potential impact of this missense change. The variant allele was found at a frequency of 0.00055 in 248790 control chromosomes. This frequency is not significantly higher than estimated for disease-causing variants in STAC3, allowing no conclusion about variant significance. To our knowledge, no occurrence of c.157G>A in individuals affected with STAC3-related conditions and no experimental evidence demonstrating its impact on protein function have been reported. ClinVar contains an entry for this variant (Variation ID: 465658). Based on the evidence outlined above, the variant was classified as uncertain significance.

PreventionGenetics, part of Exact Sciences
Classification: Likely benign for STAC3-related condition. Last evaluated: 2026-01-08. Review status: criteria provided, single submitter. Criteria: ACMG Guidelines, 2015. Collection method: clinical testing. Allele origin: germline.
Comment: This variant is classified as likely benign based on ACMG/AMP sequence variant interpretation guidelines (Richards et al. 2015 PMID: 25741868, with internal and published modifications).

Mayo Clinic Laboratories, Mayo Clinic
Classification: Uncertain significance. Last evaluated: 2024-07-31. Review status: criteria provided, single submitter. Criteria: ACMG Guidelines, 2015. Collection method: clinical testing. Allele origin: germline. Observed: 2 variant alleles.

GeneDx
Classification: Uncertain significance. Last evaluated: 2024-05-19. Review status: criteria provided, single submitter. Criteria: GeneDx Variant Classification Process June 2021. Collection method: clinical testing. Allele origin: germline.
Comment: In silico analysis indicates that this missense variant does not alter protein structure/function; Has not been previously published as pathogenic or benign to our knowledge

Revvity Omics, Revvity
Classification: Uncertain significance for Bailey-Bloch congenital myopathy. Last evaluated: 2023-11-28. Review status: criteria provided, single submitter. Criteria: ACMG Guidelines, 2015. Collection method: clinical testing. Allele origin: germline.

Labcorp Genetics (formerly Invitae), Labcorp
Classification: Uncertain significance for Bailey-Bloch congenital myopathy. Last evaluated: 2022-11-01. Review status: criteria provided, single submitter. Criteria: Invitae Variant Classification Sherloc (09022015). Collection method: clinical testing. Allele origin: germline.
Comment: This sequence change replaces valine, which is neutral and non-polar, with methionine, which is neutral and non-polar, at codon 53 of the STAC3 protein (p.Val53Met). This variant is present in population databases (rs141938531, gnomAD 0.09%), and has an allele count higher than expected for a pathogenic variant. This variant has not been reported in the literature in individuals affected with STAC3-related conditions. ClinVar contains an entry for this variant (Variation ID: 465658). Advanced modeling of protein sequence and biophysical properties (such as structural, functional, and spatial information, amino acid conservation, physicochemical variation, residue mobility, and thermodynamic stability) performed at Invitae indicates that this missense variant is not expected to disrupt STAC3 protein function. In summary, the available evidence is currently insufficient to determine the role of this variant in disease. Therefore, it has been classified as a Variant of Uncertain Significance.

NM_145064.3(STAC3):c.157G>A (p.Val53Met)

Gene: STAC3 (SH3 and cysteine rich domain 3; minus strand). Cytogenetic location: 12q13.3.
Variant type: single nucleotide variant.
Coding change: c.157G>A on transcript NM_145064.3 (MANE Select); coding-DNA position 157, G replaced by A.
Protein change: p.Val53Met; replaces valine 53 with methionine.
Molecular consequence: missense variant. On other transcripts: intron variant (1).
Genome position (GRCh38, 1-based): chr12:57,249,218, C>T on the plus strand (G>A on the coding strand, the complement: STAC3 is on the minus strand). VCF-style: chr12-57249218-C-T. GRCh37 (hg19) VCF-style: chr12-57643001-C-T.
Other names: p.Val53Met; c.40G>A, p.Val14Met (NM_001286256.2); c.-126-1020G>A (NM_001286257.2); short protein forms V53M, V14M.
Identifiers: ClinVar variation 465658 (VCV000465658.13), dbSNP rs141938531, ClinGen allele CA6647238.